The following is an entry in ClinVar:

ClinVar aggregate classification (germline): Likely benign. Review status: criteria provided, multiple submitters, no conflicts (2 of 4 stars). 2 submissions from 2 submitters: Likely benign (2). Last evaluated 2025-04-01.

Allele frequency attached by ClinVar (database versions not stated): gnomAD 0.00001 and 0.00002; gnomAD exomes 0.00002 and 0.00007; TOPMed 0.00002; ExAC 0.00007; 1000 Genomes Project 0.00020; 1000 Genomes Project 30x 0.00031.
gnomAD v4.1: 40 of 1,613,940 alleles (0.0025%); highest among the groups gnomAD compares: Middle Eastern, 0.099%; 1 homozygote.

Submissions (2):

CeGaT Center for Human Genetics Tuebingen
Classification: Likely benign. Last evaluated: 2025-04-01. Review status: criteria provided, single submitter. Criteria: CeGaT Center For Human Genetics Tuebingen Variant Classification Criteria Version 2. Collection method: clinical testing. Allele origin: germline. Affected: yes. Observed: 1 variant allele.
Comment: TAF6: BP4, BP7

Labcorp Genetics (formerly Invitae), Labcorp
Classification: Likely benign. Last evaluated: 2018-06-15. Review status: criteria provided, single submitter. Criteria: Invitae Variant Classification Sherloc (09022015). Collection method: clinical testing. Allele origin: germline.

NM_139315.3(TAF6):c.1344T>C (p.Tyr448=)

Genes: AP4M1 (adaptor related protein complex 4 subunit mu 1; plus strand), TAF6 (TATA-box binding protein associated factor 6; minus strand). Cytogenetic location: 7q22.1.
Variant type: single nucleotide variant.
Coding change: c.1344T>C on transcript NM_139315.3 (MANE Select); coding-DNA position 1344, T replaced by C.
Protein change: p.Tyr448=; no amino-acid change (tyrosine 448 retained).
Molecular consequence: synonymous variant. On other transcripts: non-coding transcript variant (1), 3 prime UTR variant (2).
Genome position (GRCh38, 1-based): chr7:100,108,481, A>G on the plus strand (T>C on the coding strand, the complement: TAF6 is on the minus strand). VCF-style: chr7-100108481-A-G. GRCh37 (hg19) VCF-style: chr7-99706104-A-G.
Other names: c.1455T>C, p.Tyr485= (NM_001190415.2); c.1344T>C, p.Tyr448= (NM_001364998.1, NM_001364999.1, NM_005641.4); c.1314T>C, p.Tyr438= (NM_001365000.1, NM_001365001.1, NM_001365002.1 and 1 more transcripts); c.1482T>C, p.Tyr494= (NM_001365004.1); c.*1599A>G (NM_001363671.2, NM_004722.4).
Identifiers: ClinVar variation 753624 (VCV000753624.10), dbSNP rs565026490, ClinGen allele CA4375317.